The following is an entry in ClinVar:

ClinVar aggregate classification (germline): Uncertain significance. Review status: criteria provided, multiple submitters, no conflicts (2 of 4 stars). 4 submissions from 4 submitters: Uncertain significance (4). Last evaluated 2025-11-06.

Conditions:
Hypogonadotropic hypogonadism 24 without anosmia (HH24). Also called: HYPOGONADOTROPIC HYPOGONADISM 24 WITH OR WITHOUT ANOSMIA; Follicle-stimulating hormone deficiency, isolated. Identifiers: Orphanet 52901, MedGen C5574957, MONDO:0009239, OMIM 229070.

Allele frequency attached by ClinVar (database versions not stated): ESP Exome Variant Server 0.00100; 1000 Genomes Project 30x 0.00047; TOPMed 0.00058; 1000 Genomes Project 0.00060; gnomAD exomes 0.00068 and 0.00079; ExAC 0.00069; gnomAD 0.00070 and 0.00071.
gnomAD v4.1: 1,258 of 1,614,022 alleles (0.078%); highest among the groups gnomAD compares: Non-Finnish European, 0.094%; 2 homozygotes.

Submissions (4):

Labcorp Genetics (formerly Invitae), Labcorp
Classification: Uncertain significance. Last evaluated: 2025-11-06. Review status: criteria provided, single submitter. Criteria: Invitae Variant Classification Sherloc (09022015). Collection method: clinical testing. Allele origin: germline.
Comment: This sequence change replaces serine, which is neutral and polar, with arginine, which is basic and polar, at codon 109 of the FSHB protein (p.Ser109Arg). This variant is present in population databases (rs148454792, gnomAD 0.1%), and has an allele count higher than expected for a pathogenic variant. This missense change has been observed in individual(s) with clinical features of idiopathic hypogonadotropic hypogonadism (PMID: 32242295). ClinVar contains an entry for this variant (Variation ID: 304277). An algorithm developed to predict the effect of missense changes on protein structure and function (PolyPhen-2) suggests that this variant is likely to be disruptive. In summary, the available evidence is currently insufficient to determine the role of this variant in disease. Therefore, it has been classified as a Variant of Uncertain Significance.

Blueprint Genetics
Classification: Uncertain significance. Last evaluated: 2024-11-27. Review status: criteria provided, single submitter. Criteria: ACMG Guidelines, 2015. Collection method: clinical testing. Allele origin: germline.

CeGaT Center for Human Genetics Tuebingen
Classification: Uncertain significance. Last evaluated: 2023-02-01. Review status: criteria provided, single submitter. Criteria: CeGaT Center For Human Genetics Tuebingen Variant Classification Criteria Version 2. Collection method: clinical testing. Allele origin: germline. Affected: yes. Observed: 2 variant alleles.
Comment: FSHB: PM2

Illumina Laboratory Services, Illumina
Classification: Uncertain significance for Hypogonadotropic hypogonadism 24 without anosmia. Last evaluated: 2018-01-12. Review status: criteria provided, single submitter. Criteria: ICSL Variant Classification Criteria 13 December 2019. Collection method: clinical testing. Allele origin: germline.

Literature cited by the submitters: PubMed 32242295 (cited by Labcorp Genetics (formerly Invitae), Labcorp).

NM_001382289.1(FSHB):c.327C>A (p.Ser109Arg)

Genes: ARL14EP-DT (ARL14EP divergent transcript; minus strand), FSHB (follicle stimulating hormone subunit beta; plus strand). Cytogenetic location: 11p14.1.
Variant type: single nucleotide variant.
Coding change: c.327C>A on transcript NM_001382289.1 (MANE Select); coding-DNA position 327, C replaced by A.
Protein change: p.Ser109Arg; replaces serine 109 with arginine.
Molecular consequence: missense variant.
Genome position (GRCh38, 1-based): chr11:30,233,737, C>A. VCF-style: chr11-30233737-C-A. GRCh37 (hg19) VCF-style: chr11-30255284-C-A.
Other names: c.327C>A, p.Ser109Arg (NM_000510.4, NM_001018080.3); short protein forms S109R.
Identifiers: ClinVar variation 304277 (VCV000304277.43), dbSNP rs148454792, ClinGen allele CA5930802.